The following is an entry in ClinVar:

NM_005188.4(CBL):c.1146A>T (p.Lys382Asn)

Gene: CBL (Cbl proto-oncogene; plus strand). Cytogenetic location: 11q23.3.
Variant type: single nucleotide variant.
Coding change: c.1146A>T on transcript NM_005188.4 (MANE Select); coding-DNA position 1146, A replaced by T.
Protein change: p.Lys382Asn; replaces lysine 382 with asparagine.
Molecular consequence: missense variant.
Genome position (GRCh38, 1-based): chr11:119,278,216, A>T. VCF-style: chr11-119278216-A-T. GRCh37 (hg19) VCF-style: chr11-119148926-A-T.
Other names: short protein forms K382N.
Identifiers: ClinVar variation 3634387 (VCV003634387.2).
Genomic context (GRCh38, chr11:119,278,216, plus strand): 5'-TTAATCAAAGGAACAATATGAATTATACTGTGAGATGGGCTCCACATTCCAACTATGTAA[A>T]ATATGTGCTGAAAATGATAAGGATGTAAAGATTGAGCCCTGTGGACACCTCATGTGCACA-3'
Protein context (NP_005179.2, residues 372-392): CEMGSTFQLC[Lys382Asn]ICAENDKDVK

ClinVar aggregate classification (germline): Uncertain significance (1 of 4 stars; one submission).

Conditions:
RASopathy. Also called: rasopathies; Noonan spectrum disorder. Identifiers: Orphanet 536391, MedGen C5555857, MONDO:0021060.

Submission:

Labcorp Genetics (formerly Invitae), Labcorp
Classification: Uncertain significance for RASopathy. Last evaluated: 2024-04-17. Review status: criteria provided, single submitter. Criteria: Invitae Variant Classification Sherloc (09022015). Collection method: clinical testing. Allele origin: germline.
Comment: This sequence change replaces lysine, which is basic and polar, with asparagine, which is neutral and polar, at codon 382 of the CBL protein (p.Lys382Asn). This variant is not present in population databases (gnomAD no frequency). This variant has not been reported in the literature in individuals affected with CBL-related conditions. Advanced modeling of protein sequence and biophysical properties (such as structural, functional, and spatial information, amino acid conservation, physicochemical variation, residue mobility, and thermodynamic stability) has been performed at Invitae for this missense variant, however the output from this modeling did not meet the statistical confidence thresholds required to predict the impact of this variant on CBL protein function. In summary, the available evidence is currently insufficient to determine the role of this variant in disease. Therefore, it has been classified as a Variant of Uncertain Significance.